The following is an entry in ClinVar:

NM_133433.4(NIPBL):c.4512dup (p.Pro1505fs)

Gene: NIPBL (NIPBL cohesin loading factor; plus strand). Cytogenetic location: 5p13.2.
Variant type: Duplication.
Coding change: c.4512dup on transcript NM_133433.4 (MANE Select); coding-DNA position 4512, one base duplicated (A; older notation c.4512dupA).
Protein change: p.Pro1505fs; shifts the reading frame from proline 1505.
Molecular consequence: frameshift variant.
Genome position (GRCh38, 1-based): chr5:37,010,177, A duplicated. VCF-style (leftmost placement, unchanged base first): chr5-37010176-T-TA. GRCh37 (hg19) VCF-style: chr5-37010278-T-TA.
Other names: c.4512dup, p.Pro1505fs (NM_015384.5); c.4512dupA (NM_133433.3); short protein forms P1505fs.
Identifiers: ClinVar variation 503986 (VCV000503986.2), dbSNP rs1554022466, ClinGen allele CA658796511.

ClinVar aggregate classification (germline): Pathogenic (1 of 4 stars; one submission).

Submission:

GeneDx
Classification: Pathogenic. Last evaluated: 2017-12-27. Review status: criteria provided, single submitter. Criteria: GeneDx Variant Classification (06012015). Collection method: clinical testing. Allele origin: germline. Affected: yes.
Comment: The c.4512dupA pathogenic variant in the NIPBL gene causes a frameshift starting with codon Proline 1505, changes this amino acid to a Threonine residue and creates a premature Stop codon at position 8 of the new reading frame, denoted p.Pro1505ThrfsX8. This pathogenic variant is predicted to cause loss of normal protein function either through protein truncation or nonsense-mediated mRNA decay. The c.4512dupA variant is not observed in large population cohorts (Lek et al., 2016).